The following is an entry in ClinVar:

ClinVar aggregate classification (germline): Likely benign. Review status: criteria provided, multiple submitters, no conflicts (2 of 4 stars). 3 submissions from 3 submitters: Likely benign (2). 1 of the submissions does not count toward it. Last evaluated 2023-07-13.

Conditions:
Bardet-Biedl syndrome 2 (BBS2). Identifiers: Orphanet 110, MedGen C2936863, MONDO:0014432, OMIM 615981.
Retinitis pigmentosa 74 (RP74). Identifiers: Orphanet 791, MedGen C4225281, MONDO:0014692, OMIM 616562.
BBS2-related disorder. Also called: BBS2-related condition; BBS2-related disorders. Identifiers: MedGen CN239228.
Bardet-Biedl syndrome (BBS). Identifiers: Orphanet 110, MedGen C0752166, MONDO:0015229.

Allele frequency attached by ClinVar (database versions not stated): gnomAD exomes below 0.00001; TOPMed 0.00001.
gnomAD v4.1: 1 of 1,614,166 alleles (0.000062%); highest among the groups gnomAD compares: Admixed American, 0.0017%; no homozygotes.

Submissions (3):

Labcorp Genetics (formerly Invitae), Labcorp
Classification: Likely benign for Bardet-Biedl syndrome. Last evaluated: 2023-07-13. Review status: criteria provided, single submitter. Criteria: Invitae Variant Classification Sherloc (09022015). Collection method: clinical testing. Allele origin: germline.

Fulgent Genetics
Classification: Likely benign for Bardet-Biedl syndrome 2; Retinitis pigmentosa 74. Last evaluated: 2022-04-15. Review status: criteria provided, single submitter. Criteria: ACMG Guidelines, 2015. Collection method: clinical testing. Allele origin: unknown.

PreventionGenetics, part of Exact Sciences
Classification: Likely benign for BBS2-related condition. Last evaluated: 2024-03-19. Review status: no assertion criteria provided. Collection method: clinical testing. Allele origin: germline. Not counted in ClinVar's aggregate classification.
Comment: This variant is classified as likely benign based on ACMG/AMP sequence variant interpretation guidelines (Richards et al. 2015 PMID: 25741868, with internal and published modifications).

NM_031885.5(BBS2):c.1845T>C (p.Ala615=)

Gene: BBS2 (Bardet-Biedl syndrome 2; minus strand). Cytogenetic location: 16q13.
Variant type: single nucleotide variant.
Coding change: c.1845T>C on transcript NM_031885.5 (MANE Select); coding-DNA position 1845, T replaced by C.
Protein change: p.Ala615=; no amino-acid change (alanine 615 retained).
Molecular consequence: synonymous variant. On other transcripts: non-coding transcript variant (5).
Genome position (GRCh38, 1-based): chr16:56,497,032, A>G on the plus strand (T>C on the coding strand, the complement: BBS2 is on the minus strand). VCF-style: chr16-56497032-A-G. GRCh37 (hg19) VCF-style: chr16-56530944-A-G.
Other names: c.1845T>C, p.Ala615= (NM_001377456.1); c.1845T>C (NM_031885.3).
Identifiers: ClinVar variation 1574194 (VCV001574194.10), dbSNP rs1964133464, ClinGen allele CA495585863.